The following is an entry in ClinVar:

GRCh37/hg19 15q11.2-13.1(chr15:23632677-28534458)x3

Genes: ATP10A (ATPase phospholipid transporting 10A (putative); minus strand), GABRA5 (gamma-aminobutyric acid type A receptor subunit alpha5; plus strand), GABRB3 (gamma-aminobutyric acid type A receptor subunit beta3; minus strand), GABRG3 (gamma-aminobutyric acid type A receptor subunit gamma3; plus strand), GOLGA6L2 (golgin A6 family like 2; minus strand) and 19 more. Cytogenetic location: 15q11.2-13.1.
Variant type: copy number gain.
Change: copy number 3 (three copies instead of two) of chr15:23,632,677-28,534,458 (4.90 Mb, GRCh37 coordinates, 1-based), cytogenetic band 15q11.2-13.1.
Identifiers: ClinVar variation 564159 (VCV000564159.3).

ClinVar aggregate classification (germline): Pathogenic (1 of 4 stars; one submission).

Submission:

Quest Diagnostics Nichols Institute San Juan Capistrano
Classification: Pathogenic. Last evaluated: 2022-10-26. Review status: criteria provided, single submitter. Criteria: ACMG/ClinGen CNV Guidelines, 2019. Collection method: clinical testing. Allele origin: unknown.
Comment: This recurrent duplication interval (BP2-BP3) of the Prader-Willi/Angelman critical region is associated with 15q11-q13 duplication syndrome (OMIM 608636). Clinical features can vary between and within families (Urraca et al., Autism Res. 2013 Aug;6(4):268-79, PMID: 23495136; Marini et al., Am J Med Genet A. 2013 Jun;161A(6):1459-64. PMID: 23633446). See GeneReviews for additional information and references. Therefore, this copy number variant is classified as pathogenic.